The following is an entry in ClinVar:

ClinVar aggregate classification (germline): Uncertain significance (1 of 4 stars; one submission).

Allele frequency attached by ClinVar (database versions not stated): gnomAD exomes below 0.00001; ExAC 0.00001.
gnomAD v4.1: 1 of 1,614,146 alleles (0.000062%); highest among the groups gnomAD compares: Non-Finnish European, 0.000085%; no homozygotes.

Submission:

Labcorp Genetics (formerly Invitae), Labcorp
Classification: Uncertain significance. Last evaluated: 2022-07-21. Review status: criteria provided, single submitter. Criteria: Invitae Variant Classification Sherloc (09022015). Collection method: clinical testing. Allele origin: germline.
Comment: This sequence change replaces asparagine, which is neutral and polar, with serine, which is neutral and polar, at codon 3522 of the LRP2 protein (p.Asn3522Ser). This variant is present in population databases (rs772424420, gnomAD 0.0009%). This variant has not been reported in the literature in individuals affected with LRP2-related conditions. ClinVar contains an entry for this variant (Variation ID: 1441124). Advanced modeling of protein sequence and biophysical properties (such as structural, functional, and spatial information, amino acid conservation, physicochemical variation, residue mobility, and thermodynamic stability) performed at Invitae indicates that this missense variant is not expected to disrupt LRP2 protein function. Algorithms developed to predict the effect of sequence changes on RNA splicing suggest that this variant may create or strengthen a splice site. In summary, the available evidence is currently insufficient to determine the role of this variant in disease. Therefore, it has been classified as a Variant of Uncertain Significance.

NM_004525.3(LRP2):c.10565A>G (p.Asn3522Ser)

Gene: LRP2 (LDL receptor related protein 2; minus strand). Cytogenetic location: 2q31.1.
Variant type: single nucleotide variant.
Coding change: c.10565A>G on transcript NM_004525.3 (MANE Select); coding-DNA position 10565, A replaced by G.
Protein change: p.Asn3522Ser; replaces asparagine 3522 with serine.
Molecular consequence: missense variant.
Genome position (GRCh38, 1-based): chr2:169,176,417, T>C on the plus strand (A>G on the coding strand, the complement: LRP2 is on the minus strand). VCF-style: chr2-169176417-T-C. GRCh37 (hg19) VCF-style: chr2-170032927-T-C.
Other names: short protein forms N3522S.
Identifiers: ClinVar variation 1441124 (VCV001441124.6), dbSNP rs772424420, ClinGen allele CA1953324.
Genomic context (GRCh38, chr2:169,176,417, plus strand): 5'-AATGTCTGTCCACGGGCTAGAGAGGCACTGAGGAGAGGGGAAAGAGAGCCTTACTTTTCA[T>C]TGTTAGCGCACAGGAACTGGGTGCTGGAGCACATGGGCATGCAGTAGGTGCTGCCACTCA-3'
Protein context (NP_004516.2, residues 3512-3532): CSSTQFLCAN[Asn3522Ser]EKCIPIWWKC